The following is an entry in ClinVar:

ClinVar aggregate classification (germline): Uncertain significance (1 of 4 stars; one submission).

Conditions:
Progressive microcephaly-seizures-cortical blindness-developmental delay syndrome. Also called: Seizures, cortical blindness, and microcephaly syndrome. Identifiers: Orphanet 477814, MedGen C5567650, MONDO:0014714, OMIM 616632.
Autosomal dominant nonsyndromic hearing loss 1. Also called: DEAFNESS, AUTOSOMAL DOMINANT 1, WITH OR WITHOUT THROMBOCYTOPENIA; KONIGSMARK SYNDROME. Identifiers: Orphanet 90635, MedGen C1852282, MONDO:0007424, OMIM 124900.

Submission:

Labcorp Genetics (formerly Invitae), Labcorp
Classification: Uncertain significance for Progressive microcephaly-seizures-cortical blindness-developmental delay syndrome; Autosomal dominant nonsyndromic hearing loss 1. Last evaluated: 2021-05-06. Review status: criteria provided, single submitter. Criteria: Invitae Variant Classification Sherloc (09022015). Collection method: clinical testing. Allele origin: germline.
Comment: In summary, the available evidence is currently insufficient to determine the role of this variant in disease. Therefore, it has been classified as a Variant of Uncertain Significance. Algorithms developed to predict the effect of missense changes on protein structure and function (SIFT, PolyPhen-2, Align-GVGD) all suggest that this variant is likely to be tolerated, but these predictions have not been confirmed by published functional studies and their clinical significance is uncertain. This variant has not been reported in the literature in individuals with DIAPH1-related conditions. This variant is not present in population databases (ExAC no frequency). This sequence change replaces lysine with threonine at codon 827 of the DIAPH1 protein (p.Lys827Thr). The lysine residue is weakly conserved and there is a moderate physicochemical difference between lysine and threonine.

NM_005219.5(DIAPH1):c.2480A>C (p.Lys827Thr)

Gene: DIAPH1 (diaphanous related formin 1; minus strand). Cytogenetic location: 5q31.3.
Variant type: single nucleotide variant.
Coding change: c.2480A>C on transcript NM_005219.5 (MANE Select); coding-DNA position 2480, A replaced by C.
Protein change: p.Lys827Thr; replaces lysine 827 with threonine.
Molecular consequence: missense variant.
Genome position (GRCh38, 1-based): chr5:141,571,430, T>G on the plus strand (A>C on the coding strand, the complement: DIAPH1 is on the minus strand). VCF-style: chr5-141571430-T-G. GRCh37 (hg19) VCF-style: chr5-140950997-T-G.
Other names: c.2453A>C, p.Lys818Thr (NM_001079812.3); c.2480A>C, p.Lys827Thr (NM_001314007.2); short protein forms K818T, K827T.
Identifiers: ClinVar variation 1393478 (VCV001393478.8), dbSNP rs2154596192, ClinGen allele CA361511783.